The following is an entry in ClinVar:

NM_033026.6(PCLO):c.8823T>G (p.Cys2941Trp)

Gene: PCLO (piccolo presynaptic cytomatrix protein; minus strand). Cytogenetic location: 7q21.11.
Variant type: single nucleotide variant.
Coding change: c.8823T>G on transcript NM_033026.6 (MANE Select); coding-DNA position 8823, T replaced by G.
Protein change: p.Cys2941Trp; replaces cysteine 2941 with tryptophan.
Molecular consequence: missense variant.
Genome position (GRCh38, 1-based): chr7:82,952,130, A>C on the plus strand (T>G on the coding strand, the complement: PCLO is on the minus strand). VCF-style: chr7-82952130-A-C. GRCh37 (hg19) VCF-style: chr7-82581446-A-C.
Other names: c.8823T>G, p.Cys2941Trp (NM_014510.3); short protein forms C2941W.
Identifiers: ClinVar variation 3903247 (VCV003903247.1).

ClinVar aggregate classification (germline): Uncertain significance (1 of 4 stars; one submission).

gnomAD v4.1: 1 of 1,613,298 alleles (0.000062%); highest among the groups gnomAD compares: Non-Finnish European, 0.000085%; no homozygotes.

Submission:

GeneDx
Classification: Uncertain significance. Last evaluated: 2023-03-23. Review status: criteria provided, single submitter. Criteria: GeneDx Variant Classification Process June 2021. Collection method: clinical testing. Allele origin: germline. Affected: yes.
Comment: Not observed at significant frequency in large population cohorts (gnomAD); In silico analysis supports that this missense variant has a deleterious effect on protein structure/function; Has not been previously published as pathogenic or benign to our knowledge; Variants in candidate genes are classified as variants of uncertain significance in accordance with ACMG guidelines (Richards et al., 2015)